The following is an entry in ClinVar:

NM_006389.5(HYOU1):c.2053AAG[1] (p.Lys686del)

Gene: HYOU1 (hypoxia up-regulated 1; minus strand). Cytogenetic location: 11q23.3.
Variant type: Microsatellite.
Coding change: c.2053AAG[1] on transcript NM_006389.5 (MANE Select); one copy of the 3-base unit AAG starting at c.2053; the reference has two copies in a row; one copy, 3 bases deleted; also written c.2056_2058del.
Protein change: p.Lys686del; deletes lysine 686.
Molecular consequence: inframe deletion.
Genome position (GRCh38, 1-based): chr11:119,048,821-119,048,823, CTT deleted on the plus strand (AAG on the coding strand, the reverse complement: HYOU1 is on the minus strand); deleting any 3 consecutive bases within chr11:119,048,821-119,048,828 gives the same sequence; the position shown is the placement nearest the transcript's 3' end. VCF-style (leftmost placement, unchanged base first): chr11-119048820-GCTT-G. GRCh37 (hg19) VCF-style: chr11-118919532-GCTT-G.
Other names: c.2053AAG[1], p.Lys686del (NM_001130991.3, NM_001411041.1); c.2056_2058del (NM_006389.5); short protein forms K686del.
Identifiers: ClinVar variation 3019072 (VCV003019072.4), dbSNP rs782290466, ClinGen allele CA229619332.
Genomic context (GRCh38, chr11:119,048,820, plus strand): 5'-CCAGAACAACCAGCTCCACCCCGATCTCCTCTACCATTCGCCGCTTCCTGGCGGGCTTCT[GCTT>G]CTTCTCTCCCTCTGGGGCTGGAGCGACGCCCTCAGGCCCTGCCTCTGCCTTCTCACTTGG-3'

ClinVar aggregate classification (germline): Uncertain significance. Review status: criteria provided, multiple submitters, no conflicts (2 of 4 stars). 2 submissions from 2 submitters: Uncertain significance (2). Last evaluated 2025-09-14.

Conditions:
Granulocytopenia with immunoglobulin abnormality. Identifiers: MedGen C1856263, MONDO:0009305, OMIM 233600.

Submissions (2):

Labcorp Genetics (formerly Invitae), Labcorp
Classification: Uncertain significance. Last evaluated: 2025-09-14. Review status: criteria provided, single submitter. Criteria: Invitae Variant Classification Sherloc (09022015). Collection method: clinical testing. Allele origin: germline.
Comment: This variant, c.2056_2058del, results in the deletion of 1 amino acid(s) of the HYOU1 protein (p.Lys686del), but otherwise preserves the integrity of the reading frame. This variant is present in population databases (rs782290466, gnomAD 0.006%). This variant has not been reported in the literature in individuals affected with HYOU1-related conditions. Experimental studies and prediction algorithms are not available or were not evaluated, and the functional significance of this variant is currently unknown. In summary, the available evidence is currently insufficient to determine the role of this variant in disease. Therefore, it has been classified as a Variant of Uncertain Significance.

Fulgent Genetics
Classification: Uncertain significance for Granulocytopenia with immunoglobulin abnormality. Last evaluated: 2024-06-04. Review status: criteria provided, single submitter. Criteria: ACMG Guidelines, 2015. Collection method: clinical testing. Allele origin: germline.